The following is an entry in ClinVar:

ClinVar aggregate classification (germline): Uncertain significance (1 of 4 stars; one submission).

Conditions:
Hypotonia, ataxia, and delayed development syndrome (HADDS). Also called: EBF3 Neurodevelopmental Disorder. Identifiers: Orphanet 658843, MedGen C4310618, MONDO:0015021, OMIM 617330.

gnomAD v4.1: 3 of 1,614,094 alleles (0.00019%); highest among the groups gnomAD compares: Non-Finnish European, 0.00017%; no homozygotes.

Submission:

Clinical Genomics Laboratory, Washington University in St. Louis
Classification: Uncertain significance for Hypotonia, ataxia, and delayed development syndrome. Last evaluated: 2026-01-15. Review status: criteria provided, single submitter. Criteria: ACMG Guidelines, 2015. Collection method: clinical testing. Allele origin: germline.
Comment: The EBF3 c.833G>T (p.Gly278Val) variant, to our knowledge, has not been reported in the medical literature. This variant is absent from the general population (gnomAD v.2.1.1), indicating it is not a common variant. Computational predictors indicate that the variant is damaging, evidence that correlates with impact to EBF3 function. Due to limited information, and based on ACMG/AMP guidelines for variant interpretation (Richards S et al., PMID: 25741868), the clinical significance of this variant is uncertain at this time.

NM_001375380.1(EBF3):c.833G>T (p.Gly278Val)

Genes: EBF3 (EBF transcription factor 3; minus strand), EBF3-AS1 (EBF3 antisense RNA 1; plus strand). Cytogenetic location: 10q26.3.
Variant type: single nucleotide variant.
Coding change: c.833G>T on transcript NM_001375380.1 (MANE Select); coding-DNA position 833, G replaced by T.
Protein change: p.Gly278Val; replaces glycine 278 with valine.
Molecular consequence: missense variant.
Genome position (GRCh38, 1-based): chr10:129,867,861, C>A on the plus strand (G>T on the coding strand, the complement: EBF3 is on the minus strand). VCF-style: chr10-129867861-C-A. GRCh37 (hg19) VCF-style: chr10-131666125-C-A.
Other names: c.806G>T, p.Gly269Val (NM_001005463.3, NM_001375390.1, NM_001375392.1); c.833G>T, p.Gly278Val (NM_001375379.1, NM_001375389.1, NM_001375391.1); short protein forms G269V, G278V.
Identifiers: ClinVar variation 4879219 (VCV004879219.1).